The following is an entry in ClinVar:

NM_033380.3(COL4A5):c.4278dup (p.Gly1427fs)

Gene: COL4A5 (collagen type IV alpha 5 chain; plus strand). Cytogenetic location: Xq22.3.
Variant type: Duplication.
Coding change: c.4278dup on transcript NM_033380.3 (MANE Select); coding-DNA position 4278, one base duplicated (A; older notation c.4278dupA).
Protein change: p.Gly1427fs; shifts the reading frame from glycine 1427.
Molecular consequence: frameshift variant.
Genome position (GRCh38, 1-based): chrX:108,686,092, A duplicated. VCF-style (leftmost placement, unchanged base first): chrX-108686091-G-GA. GRCh37 (hg19) VCF-style: chrX-107929321-G-GA.
Other names: c.4260dup, p.Gly1421fs (NM_000495.5); short protein forms G1421fs, G1427fs.
Identifiers: ClinVar variation 4851582 (VCV004851582.1).
Genomic context (GRCh38, chrX:108,686,091, plus strand): 5'-GTCCAACTGGCCCTCCAGGAGATCCTGGACGCAATGGACTCCCTGGCTTTGATGGTGCAG[G>GA]AGGGCGCAAAGGAGACCCAGGTCTGCCAGGACAGCCAGGTAAGACAAGTAAAACATGCTG-3'

ClinVar aggregate classification (germline): Likely pathogenic (1 of 4 stars; one submission).

Conditions:
X-linked Alport syndrome (ATS1). Also called: NEPHROPATHY AND DEAFNESS, X-LINKED; COL4A5-Related Nephropathy. Identifiers: Orphanet 63, Orphanet 88917, MedGen C4746986, MONDO:0010520, OMIM 301050.

Submission:

CGC Genetics, Unilabs
Classification: Likely pathogenic for X-linked Alport syndrome. Last evaluated: 2025-10-22. Review status: criteria provided, single submitter. Criteria: ACMG Guidelines, 2015. Collection method: clinical testing. Allele origin: germline. Inheritance: X-linked dominant inheritance. Affected: yes. Observed: 1 variant allele.
Comment: The NM_033380.3:c.4278dup p.(Gly1427Argfs*65), detected in heterozygosity in exon 48 (of 53) of the COL4A5 gene (chr.X), is not reported in the literature, in the gnomAD population database nor in the ClinVar database. This is a frameshift variant that introduces a premature stop codon, which in turn is expected to lead to the creation of a truncated protein and/or a reduction in its expression due to mRNA degradation. Based on currently available information and current classification guidelines, this variant should be classified as likely pathogenic.